The following is an entry in ClinVar:

NM_000540.3(RYR1):c.13940T>C (p.Leu4647Pro)

Gene: RYR1 (ryanodine receptor 1; plus strand). Cytogenetic location: 19q13.2.
Variant type: single nucleotide variant.
Coding change: c.13940T>C on transcript NM_000540.3 (MANE Select); coding-DNA position 13940, T replaced by C.
Protein change: p.Leu4647Pro; replaces leucine 4647 with proline.
Molecular consequence: missense variant.
Genome position (GRCh38, 1-based): chr19:38,572,212, T>C. VCF-style: chr19-38572212-T-C. GRCh37 (hg19) VCF-style: chr19-39062852-T-C.
Other names: c.13925T>C, p.Leu4642Pro (NM_001042723.2); short protein forms L4647P, L4642P.
Identifiers: ClinVar variation 544414 (VCV000544414.8), dbSNP rs1555801902, ClinGen allele CA405681239.
Genomic context (GRCh38, chr19:38,572,212, plus strand): 5'-ACATGGTGTACTACTTCCTGGAGGAAAGCACAGGCTACATGGAACCCGCCCTGCGGTGTC[T>C]GAGCCTCCTGCATACACTGGTGGCCTTTCTCTGCATCATTGGCTATAATTGTCTCAAGGT-3'
Protein context (NP_000531.2, residues 4637-4657): TGYMEPALRC[Leu4647Pro]SLLHTLVAFL

ClinVar aggregate classification (germline): Likely pathogenic (1 of 4 stars; one submission).

Conditions:
RYR1-related disorder. Also called: RYR1-related condition; RYR1-related disorders. Identifiers: MedGen CN239331.

Submission:

Labcorp Genetics (formerly Invitae), Labcorp
Classification: Likely pathogenic for RYR1-related disorder. Last evaluated: 2017-12-06. Review status: criteria provided, single submitter. Criteria: Invitae Variant Classification Sherloc (09022015). Collection method: clinical testing. Allele origin: germline.
Comment: In summary, the currently available evidence indicates that the variant is pathogenic, but additional data are needed to prove that conclusively. Therefore, this variant has been classified as Likely Pathogenic. This missense change is located in a region of the RYR1 protein where a significant number of previously reported RYR1 missense mutations are found (PMID: 16084090). These observations suggest that a previously unreported missense substitution within this region may affect protein function, but experiments have not been done to test this possibility. Experimental studies have shown that this missense change alters RYR1 protein function (PMID: 23183335). This variant has been reported in several individuals affected with central core disease (PMID: 23183335, 25960145). This variant is not present in population databases (ExAC no frequency). This sequence change replaces leucine with proline at codon 4647 of the RYR1 protein (p.Leu4647Pro). The leucine residue is highly conserved and there is a moderate physicochemical difference between leucine and proline.

Literature cited by the submitters: PubMed 16084090; PubMed 23183335; PubMed 25960145.